The following is an entry in ClinVar:

ClinVar aggregate classification (germline): Uncertain significance. Review status: criteria provided, multiple submitters, no conflicts (2 of 4 stars). 2 submissions from 2 submitters: Uncertain significance (2). Last evaluated 2022-08-01.

Conditions:
Hereditary cancer-predisposing syndrome. Also called: Tumor predisposition; Hereditary neoplastic syndrome; Neoplastic Syndromes, Hereditary; Hereditary Cancer Syndrome. Identifiers: Orphanet 140162, MedGen C0027672, MeSH D009386, MONDO:0015356.
Cardiovascular phenotype. Identifiers: MedGen CN230736.
Neurofibromatosis, type 1 (NF1). Also called: Peripheral type neurofibromatosis; VON RECKLINGHAUSEN DISEASE; Neurofibromatosis, type I; NEUROFIBROMATOSIS, TYPE I, SOMATIC. Identifiers: Orphanet 636, MedGen C0027831, MONDO:0018975, OMIM 162200. Disease mechanism: loss of function.

Submissions (2):

Ambry Genetics
Classification: Uncertain significance for Cardiovascular phenotype; Hereditary cancer-predisposing syndrome. Last evaluated: 2022-08-01. Review status: criteria provided, single submitter. Criteria: Ambry Variant Classification Scheme 2023. Collection method: clinical testing. Allele origin: germline.
Comment: The p.Y1587S variant (also known as c.4760A>C), located in coding exon 35 of the NF1 gene, results from an A to C substitution at nucleotide position 4760. The tyrosine at codon 1587 is replaced by serine, an amino acid with dissimilar properties. This alteration was detected in a cohort of 1985 patients who either had a clinical diagnosis of neurofibromatosis type 1 (NF1) or had some clinical features of NF1 (van Minkelen R et al. Clin Genet, 2014 Apr;85:318-27). This amino acid position is highly conserved in available vertebrate species. In addition, this alteration is predicted to be deleterious by in silico analysis. Since supporting evidence is limited at this time, the clinical significance of this alteration remains unclear.

Labcorp Genetics (formerly Invitae), Labcorp
Classification: Uncertain significance for Neurofibromatosis, type 1. Last evaluated: 2019-10-15. Review status: criteria provided, single submitter. Criteria: Invitae Variant Classification Sherloc (09022015). Collection method: clinical testing. Allele origin: germline.
Comment: In summary, the available evidence is currently insufficient to determine the role of this variant in disease. Therefore, it has been classified as a Variant of Uncertain Significance. This sequence change replaces tyrosine with serine at codon 1587 of the NF1 protein (p.Tyr1587Ser). The tyrosine residue is moderately conserved and there is a large physicochemical difference between tyrosine and serine. This variant is not present in population databases (ExAC no frequency). This variant has been reported in individuals in the Leiden Open-source Variation Database (PMID: 21520333). Algorithms developed to predict the effect of missense changes on protein structure and function are either unavailable or do not agree on the potential impact of this missense change (SIFT: "Tolerated"; PolyPhen-2: "Probably Damaging"; Align-GVGD: "Class C0").

Literature cited by the submitters: PubMed 21520333 (cited by Labcorp Genetics (formerly Invitae), Labcorp).

NM_001042492.3(NF1):c.4823A>C (p.Tyr1608Ser)

Gene: NF1 (neurofibromin 1; plus strand). Cytogenetic location: 17q11.2.
Variant type: single nucleotide variant.
Coding change: c.4823A>C on transcript NM_001042492.3 (MANE Select); coding-DNA position 4823, A replaced by C.
Protein change: p.Tyr1608Ser; replaces tyrosine 1608 with serine.
Molecular consequence: missense variant.
Genome position (GRCh38, 1-based): chr17:31,265,327, A>C. VCF-style: chr17-31265327-A-C. GRCh37 (hg19) VCF-style: chr17-29592345-A-C.
Other names: c.4760A>C, p.Tyr1587Ser (NM_000267.4); short protein forms Y1608S, Y1587S.
Identifiers: ClinVar variation 938399 (VCV000938399.9), dbSNP rs1555619417, ClinGen allele CA399001369.